The following is an entry in ClinVar:

NM_007294.4(BRCA1):c.670+8C>T

Gene: BRCA1 (BRCA1 DNA repair associated; minus strand). Cytogenetic location: 17q21.31.
Variant type: single nucleotide variant.
Coding change: c.670+8C>T on transcript NM_007294.4 (MANE Select); 8 bases into the intron after coding-DNA position 670, C replaced by T.
Molecular consequence: intron variant.
Genome position (GRCh38, 1-based): chr17:43,095,838, G>A on the plus strand (C>T on the coding strand, the complement: BRCA1 is on the minus strand). VCF-style: chr17-43095838-G-A. GRCh37 (hg19) VCF-style: chr17-41247855-G-A.
Other names: IVS10+8C>T; c.529+8C>T (NM_001408458.1, NM_001408469.1, NM_001408453.1 and 43 more transcripts); c.-218-978C>T (NM_001407967.1, NM_001407966.1); c.289+8C>T (NM_001407959.1, NM_001408510.1, NM_001407963.1 and 1 more transcripts); c.404-978C>T (NM_001407931.1, NM_001407932.1, NM_001408503.1 and 5 more transcripts); c.526+8C>T (NM_001407747.1, NM_001408470.1, NM_001407848.1 and 26 more transcripts); c.286+8C>T (NM_001407962.1); c.167-978C>T (NM_001408512.1, NM_001407965.1); and 18 more.
Identifiers: ClinVar variation 37692 (VCV000037692.15), dbSNP rs80358050, ClinGen allele CA003797.
Genomic context (GRCh38, chr17:43,095,838, plus strand): 5'-CTAATTACAGTACTGTATCTACCCACTCTCTTTTCAGTGCCTGTTAAGTTGGCAAACTTT[G>A]CCATTACCCTTTTTTGCAGAATCCAAACTGATTTCATCCCTGGTTCCTTGAGGGGTGATT-3'

ClinVar aggregate classification (germline): Conflicting classifications of pathogenicity. Review status: criteria provided, conflicting classifications (1 of 4 stars). 6 submissions from 6 submitters: Uncertain significance (1); Likely benign (3). 2 of the submissions do not count toward it. Last evaluated 2026-01-13.

Conditions:
Hereditary cancer-predisposing syndrome. Also called: Tumor predisposition; Neoplastic Syndromes, Hereditary; Hereditary Cancer Syndrome; Hereditary neoplastic syndrome. Identifiers: Orphanet 140162, MedGen C0027672, MeSH D009386, MONDO:0015356.
Hereditary breast ovarian cancer syndrome. Also called: Hereditary breast and ovarian cancer syndrome (HBOC); Hereditary breast and ovarian cancer syndrome; Hereditary breast and ovarian cancer; Hereditary breast and/or ovarian cancer syndrome; Breast and ovarian cancer; BRCA1- and BRCA2-Associated Hereditary Breast and Ovarian Cancer. Identifiers: Orphanet 145, MedGen C0677776, MeSH D061325, MONDO:0003582. Disease mechanism: loss of function.
Breast-ovarian cancer, familial, susceptibility to, 1 (BROVCA1). Also called: OVARIAN CANCER, SUSCEPTIBILITY TO; BRCA1 Hereditary Breast and Ovarian Cancer. Identifiers: Orphanet 145, MedGen C2676676, MONDO:0011450, OMIM 604370. Disease mechanism: loss of function.

Allele frequency attached by ClinVar (database versions not stated): gnomAD exomes below 0.00001; TOPMed below 0.00001.
gnomAD v4.1: 6 of 1,610,134 alleles (0.00037%); highest among the groups gnomAD compares: African/African-American, 0.0013%; no homozygotes.

Submissions (6):

Labcorp Genetics (formerly Invitae), Labcorp
Classification: Likely benign for Hereditary breast ovarian cancer syndrome. Last evaluated: 2026-01-13. Review status: criteria provided, single submitter. Criteria: Invitae Variant Classification Sherloc (09022015). Collection method: clinical testing. Allele origin: germline.

Sema4
Classification: Uncertain significance for Hereditary cancer-predisposing syndrome. Last evaluated: 2021-08-17. Review status: criteria provided, single submitter. Criteria: Sema4 Curation Guidelines. Collection method: curation. Allele origin: germline.
Comment: The BRCA1 c.670+8C>T variant has been reported in heterozygosity in at least one individual with breast cancer (PMID: 18424508). A minigene assay indicated that the variant causes complete inclusion of exons 9 and 10 which may affect the expression of various isoforms of BRCA1 (PMID: 18424508). It was observed in 1/16130 chromosomes of the African/African American subpopulation in the large and broad cohorts of the Genome Aggregation Database (PMID: 32461654). The variant has been reported in ClinVar (Variation ID 37692). The evidence is insufficient to meet ACMG/AMP criteria for classifying the variant as benign or pathogenic. Thus, the clinical significance of this variant is currently uncertain.

Department of Pathology and Molecular Medicine, Queen's University
Classification: Likely benign. Last evaluated: 2017-04-20. Review status: criteria provided, single submitter. Criteria: ACMG Guidelines, 2015. Collection method: clinical testing. Allele origin: germline. Study: The Canadian Open Genetics Repository (COGR).

Color Diagnostics, LLC DBA Color Health
Classification: Likely benign for Hereditary cancer-predisposing syndrome. Last evaluated: 2016-08-05. Review status: criteria provided, single submitter. Criteria: ACMG Guidelines, 2015. Collection method: clinical testing. Allele origin: germline.

Sharing Clinical Reports Project (SCRP)
Classification: Likely benign for Breast-ovarian cancer, familial 1. Last evaluated: 2009-06-24. Review status: no assertion criteria provided. Collection method: clinical testing. Allele origin: germline. Not counted in ClinVar's aggregate classification.

Breast Cancer Information Core (BIC) (BRCA1)
Classification: Uncertain significance for Breast-ovarian cancer, familial 1. Last evaluated: 2004-02-20. Review status: no assertion criteria provided. Collection method: clinical testing. Allele origin: germline. Affected: yes. Observed: 1 variant allele. Not counted in ClinVar's aggregate classification.

Literature cited by the submitters: PubMed 18424508 (cited by Sema4).